The following is an entry in ClinVar:

ClinVar aggregate classification (germline): Conflicting classifications of pathogenicity. Review status: criteria provided, conflicting classifications (1 of 4 stars). 2 submissions from 2 submitters: Uncertain significance (1); Likely benign (1). Last evaluated 2024-04-01.

Conditions:
Inborn genetic diseases. Identifiers: MedGen C0950123, MeSH D030342.

Allele frequency attached by ClinVar (database versions not stated): gnomAD 0.00002; TOPMed 0.00003; ExAC 0.00004; gnomAD exomes 0.00007; ESP Exome Variant Server 0.00008.
gnomAD v4.1: 105 of 1,610,478 alleles (0.0065%); highest among the groups gnomAD compares: Non-Finnish European, 0.0086%; no homozygotes.

Submissions (2):

CeGaT Center for Human Genetics Tuebingen
Classification: Likely benign. Last evaluated: 2024-04-01. Review status: criteria provided, single submitter. Criteria: CeGaT Center For Human Genetics Tuebingen Variant Classification Criteria Version 2. Collection method: clinical testing. Allele origin: germline. Affected: yes. Observed: 1 variant allele.
Comment: PDE3A: BP4

Ambry Genetics
Classification: Uncertain significance for Inborn genetic diseases. Last evaluated: 2021-08-17. Review status: criteria provided, single submitter. Criteria: Ambry Variant Classification Scheme 2023. Collection method: clinical testing. Allele origin: germline.

NM_000921.5(PDE3A):c.2053A>G (p.Ile685Val)

Gene: PDE3A (phosphodiesterase 3A; plus strand). Cytogenetic location: 12p12.2.
Variant type: single nucleotide variant.
Coding change: c.2053A>G on transcript NM_000921.5 (MANE Select); coding-DNA position 2053, A replaced by G.
Protein change: p.Ile685Val; replaces isoleucine 685 with valine.
Molecular consequence: missense variant.
Genome position (GRCh38, 1-based): chr12:20,637,151, A>G. VCF-style: chr12-20637151-A-G. GRCh37 (hg19) VCF-style: chr12-20790085-A-G.
Other names: c.1087A>G, p.Ile363Val (NM_001244683.2, NM_001378409.1); c.1747A>G, p.Ile583Val (NM_001378407.1); c.1090A>G, p.Ile364Val (NM_001378408.1); short protein forms I363V, I685V, I364V, I583V.
Identifiers: ClinVar variation 2207718 (VCV002207718.22), dbSNP rs372559314, ClinGen allele CA6473947.